The following is an entry in ClinVar:

ClinVar aggregate classification (germline): Uncertain significance (1 of 4 stars; one submission).

Submission:

GeneDx
Classification: Uncertain significance. Last evaluated: 2025-04-01. Review status: criteria provided, single submitter. Criteria: GeneDx Variant Classification Process June 2021. Collection method: clinical testing. Allele origin: germline. Affected: yes.
Comment: Not observed at significant frequency in large population cohorts (gnomAD); In silico analysis supports that this missense variant has a deleterious effect on protein structure/function; Has not been previously published as pathogenic or benign to our knowledge

NM_001385012.1(NBEA):c.5398C>G (p.Pro1800Ala)

Gene: NBEA (neurobeachin; plus strand). Cytogenetic location: 13q13.3.
Variant type: single nucleotide variant.
Coding change: c.5398C>G on transcript NM_001385012.1 (MANE Select); coding-DNA position 5398, C replaced by G.
Protein change: p.Pro1800Ala; replaces proline 1800 with alanine.
Molecular consequence: missense variant.
Genome position (GRCh38, 1-based): chr13:35,208,731, C>G. VCF-style: chr13-35208731-C-G. GRCh37 (hg19) VCF-style: chr13-35782868-C-G.
Other names: c.5389C>G, p.Pro1797Ala (NM_001379245.1); c.5398C>G, p.Pro1800Ala (NM_015678.5); short protein forms P1797A, P1800A.
Identifiers: ClinVar variation 4278740 (VCV004278740.1).